The following is an entry in ClinVar:

ClinVar aggregate classification (germline): Benign (1 of 4 stars; one submission).

gnomAD v4.1: 23,263 of 1,613,220 alleles (1.4%); highest among the groups gnomAD compares: Non-Finnish European, 1.7%; 213 homozygotes.

Submission:

Mayo Clinic Laboratories, Mayo Clinic
Classification: Benign. Last evaluated: 2023-04-27. Review status: criteria provided, single submitter. Criteria: ACMG Guidelines, 2015. Collection method: clinical testing. Allele origin: germline. Observed: 13 variant alleles.
Comment: BS1, BS2, BP4

NM_014687.4(RUBCN):c.2874C>T (p.Pro958=)

Gene: RUBCN (rubicon autophagy regulator; minus strand). Cytogenetic location: 3q29.
Variant type: single nucleotide variant.
Coding change: c.2874C>T on transcript NM_014687.4 (MANE Select); coding-DNA position 2874, C replaced by T.
Protein change: p.Pro958=; no amino-acid change (proline 958 retained).
Molecular consequence: synonymous variant.
Genome position (GRCh38, 1-based): chr3:197,675,063, G>A on the plus strand (C>T on the coding strand, the complement: RUBCN is on the minus strand). VCF-style: chr3-197675063-G-A. GRCh37 (hg19) VCF-style: chr3-197401934-G-A.
Other names: p.Pro913=; c.2991C>T, p.Pro997= (NM_001346873.2); c.2739C>T, p.Pro913= (NM_001145642.5).
Identifiers: ClinVar variation 4684767 (VCV004684767.1).
Genomic context (GRCh38, chr3:197,675,063, plus strand): 5'-CTGCACGTGCTTTCTTCAGGTGGCCTCCAGGACGGCGGCTTCCAGGGCCAGCGCTTCCGC[G>A]GGCTCCTCCTCGTAGTCTGACAGGTAAGACTCCAGGCTCTGCCTGGCCAGTGCCTCCCGC-3'
Protein context (NP_055502.1, residues 948-968): ESYLSDYEEE[Pro958=]AEALALEAAV